The following is an entry in ClinVar:

NM_001256789.3(CACNA1F):c.2733+10G>A

Gene: CACNA1F (calcium voltage-gated channel subunit alpha1 F; minus strand). Cytogenetic location: Xp11.23.
Variant type: single nucleotide variant.
Coding change: c.2733+10G>A on transcript NM_001256789.3 (MANE Select); 10 bases into the intron after coding-DNA position 2733, G replaced by A.
Molecular consequence: intron variant.
Genome position (GRCh38, 1-based): chrX:49,218,872, C>T on the plus strand (G>A on the coding strand, the complement: CACNA1F is on the minus strand). VCF-style: chrX-49218872-C-T. GRCh37 (hg19) VCF-style: chrX-49075331-C-T.
Other names: c.2766+10G>A (NM_005183.4); c.2571+10G>A (NM_001256790.3).
Identifiers: ClinVar variation 4994919 (VCV004994919.1).

ClinVar aggregate classification (germline): Likely benign (1 of 4 stars; one submission).

Conditions:
CACNA1F-related disorder. Also called: CACNA1F-related condition.

Submission:

PreventionGenetics, part of Exact Sciences
Classification: Likely benign for CACNA1F-related condition. Last evaluated: 2026-09-15. Review status: criteria provided, single submitter. Criteria: ACMG Guidelines, 2015. Collection method: clinical testing. Allele origin: germline.
Comment: This variant is classified as likely benign based on ACMG/AMP sequence variant interpretation guidelines (Richards et al. 2015 PMID: 25741868, with internal and published modifications).